The following is an entry in ClinVar:

NM_000051.4(ATM):c.4101C>A (p.Asp1367Glu)

Gene: ATM (ATM serine/threonine kinase; plus strand). Cytogenetic location: 11q22.3.
Variant type: single nucleotide variant.
Coding change: c.4101C>A on transcript NM_000051.4 (MANE Select); coding-DNA position 4101, C replaced by A.
Protein change: p.Asp1367Glu; replaces aspartic acid 1367 with glutamic acid.
Molecular consequence: missense variant.
Genome position (GRCh38, 1-based): chr11:108,287,707, C>A. VCF-style: chr11-108287707-C-A. GRCh37 (hg19) VCF-style: chr11-108158434-C-A.
Other names: c.4101C>A, p.Asp1367Glu (NM_001351834.2); short protein forms D1367E.
Identifiers: ClinVar variation 4747209 (VCV004747209.1).

ClinVar aggregate classification (germline): Uncertain significance (1 of 4 stars; one submission).

Conditions:
Ataxia-telangiectasia syndrome (AT). Also called: Ataxia-telangiectasia, complementation group D; AT, COMPLEMENTATION GROUP C; Ataxia-telangiectasia; Ataxia telangiectasia (A-T); LOUIS-BAR SYNDROME; Cerebello-oculocutaneous telangiectasia. Identifiers: Orphanet 100, MedGen C0004135, MONDO:0008840, OMIM 208900.

Submission:

Labcorp Genetics (formerly Invitae), Labcorp
Classification: Uncertain significance for Ataxia-telangiectasia syndrome. Last evaluated: 2025-12-22. Review status: criteria provided, single submitter. Criteria: Invitae Variant Classification Sherloc (09022015). Collection method: clinical testing. Allele origin: germline.
Comment: This sequence change replaces aspartic acid, which is acidic and polar, with glutamic acid, which is acidic and polar, at codon 1367 of the ATM protein (p.Asp1367Glu). This variant is not present in population databases (gnomAD no frequency). This variant has not been reported in the literature in individuals affected with ATM-related conditions. Invitae Evidence Modeling of protein sequence and biophysical properties (such as structural, functional, and spatial information, amino acid conservation, physicochemical variation, residue mobility, and thermodynamic stability) indicates that this missense variant is not expected to disrupt ATM protein function with a negative predictive value of 95%. In summary, the available evidence is currently insufficient to determine the role of this variant in disease. Therefore, it has been classified as a Variant of Uncertain Significance.